The following is an entry in ClinVar:

NM_024753.5(TTC21B):c.179T>A (p.Phe60Tyr)

Gene: TTC21B (tetratricopeptide repeat domain 21B; minus strand). Cytogenetic location: 2q24.3.
Variant type: single nucleotide variant.
Coding change: c.179T>A on transcript NM_024753.5 (MANE Select); coding-DNA position 179, T replaced by A.
Protein change: p.Phe60Tyr; replaces phenylalanine 60 with tyrosine.
Molecular consequence: missense variant.
Genome position (GRCh38, 1-based): chr2:165,949,477, A>T on the plus strand (T>A on the coding strand, the complement: TTC21B is on the minus strand). VCF-style: chr2-165949477-A-T. GRCh37 (hg19) VCF-style: chr2-166805987-A-T.
Other names: c.179T>A (NM_024753.4); short protein forms F60Y.
Identifiers: ClinVar variation 1483130 (VCV001483130.9), dbSNP rs371571631, ClinGen allele CA1942526.
Genomic context (GRCh38, chr2:165,949,477, plus strand): 5'-GCATATATCAGTGCAAGTAGAGAACAAAGTGATACATCTTGTTTATTTTTAATAGCCTCA[A>T]ATTCTCGAAGAGCTTCTTGAGTTTTACCTGAAAATCAAGATTATGATATGAAAAACTGTT-3'
Protein context (NP_079029.3, residues 50-70): EGKTQEALRE[Phe60Tyr]EAIKNKQDVS

ClinVar aggregate classification (germline): Uncertain significance. Review status: criteria provided, multiple submitters, no conflicts (2 of 4 stars). 4 submissions from 4 submitters: Uncertain significance (4). Last evaluated 2025-12-31.

Conditions:
Nephronophthisis. Also called: Juvenile Nephronophthisis. Identifiers: Orphanet 655, MedGen C0687120, MONDO:0019005, HP:0000090.
Jeune thoracic dystrophy. Also called: Short-rib thoracic dysplasia; Jeune syndrome; Infantile thoracic dystrophy; Thoracic pelvic phalangeal dystrophy; Jeune's syndrome; Chondroectodermal dysplasia-like syndrome. Identifiers: Orphanet 474, MedGen C0265275, MONDO:0018770.
TTC21B-related disorder. Also called: TTC21B-related condition; TTC21B-related disorders.

Allele frequency attached by ClinVar (database versions not stated): ExAC 0.00003; gnomAD 0.00005 and 0.00006; gnomAD exomes 0.00005 and 0.00007; TOPMed 0.00005; ESP Exome Variant Server 0.00015.
gnomAD v4.1: 109 of 1,613,794 alleles (0.0068%); highest among the groups gnomAD compares: Non-Finnish European, 0.0087%; 1 homozygote.

Submissions (4):

Women's Health and Genetics/Laboratory Corporation of America, LabCorp
Classification: Uncertain significance. Last evaluated: 2025-12-31. Review status: criteria provided, single submitter. Criteria: LabCorp Variant Classification Summary - May 2015. Collection method: clinical testing. Allele origin: germline.
Comment: Variant summary: TTC21B c.179T>A (p.Phe60Tyr) results in a conservative amino acid change in the encoded protein sequence. Algorithms developed to predict the effect of missense changes on protein structure and function all suggest that this variant is likely to be tolerated. The variant allele was found at a frequency of 4.8e-05 in 251230 control chromosomes. This frequency is not significantly higher than estimated for disease-causing variants in TTC21B, allowing no conclusion about variant significance. c.179T>A has been observed in the heterozygous state in an individual affected with Meckel-Gruber-like syndrome (Davis_2011). This report does not provide unequivocal conclusions about association of the variant with TTC21B-Related Disorders. A functional study categorized the variant as hypomorphic based on its ability to rescue a zebrafish ciliary phenotype compared to rescue with the wildtype protein (Davis_2011); however, this does not allow for definitive conclusions to be made about the variant effect. The following publication has been ascertained in the context of this evaluation (PMID: 21258341). ClinVar contains an entry for this variant (Variation ID: 1483130). Based on the evidence outlined above, the variant was classified as uncertain significance.

PreventionGenetics, part of Exact Sciences
Classification: Uncertain significance for TTC21B-related condition. Last evaluated: 2025-09-27. Review status: criteria provided, single submitter. Criteria: ACMG Guidelines, 2015. Collection method: clinical testing. Allele origin: germline.
Comment: The TTC21B c.179T>A variant is predicted to result in the amino acid substitution p.Phe60Tyr. This variant was reported in one individual from a cohort of ciliopathy patients and was described as a hypomorphic allele based on zebrafish studies (Table S2, Davis et al. 2011. PubMed ID: 21258341). This variant is reported in 0.010% of alleles in individuals of European (Non-Finnish) descent in gnomAD. At this time, the clinical significance of this variant is uncertain due to the absence of conclusive functional and genetic evidence.

GeneDx
Classification: Uncertain significance. Last evaluated: 2024-06-27. Review status: criteria provided, single submitter. Criteria: GeneDx Variant Classification Process June 2021. Collection method: clinical testing. Allele origin: germline. Affected: yes.
Comment: Not observed at significant frequency in large population cohorts (gnomAD); In silico analysis indicates that this missense variant does not alter protein structure/function; This variant is associated with the following publications: (PMID: 21258341, 32184807)

Labcorp Genetics (formerly Invitae), Labcorp
Classification: Uncertain significance for Jeune thoracic dystrophy; Nephronophthisis. Last evaluated: 2022-10-05. Review status: criteria provided, single submitter. Criteria: Invitae Variant Classification Sherloc (09022015). Collection method: clinical testing. Allele origin: germline.
Comment: This sequence change replaces phenylalanine, which is neutral and non-polar, with tyrosine, which is neutral and polar, at codon 60 of the TTC21B protein (p.Phe60Tyr). This variant is present in population databases (rs371571631, gnomAD 0.01%). This missense change has been observed in individual(s) with clinical features of Meckel-Gruber syndrome (PMID: 21258341). ClinVar contains an entry for this variant (Variation ID: 1483130). Advanced modeling of protein sequence and biophysical properties (such as structural, functional, and spatial information, amino acid conservation, physicochemical variation, residue mobility, and thermodynamic stability) performed at Invitae indicates that this missense variant is not expected to disrupt TTC21B protein function. Experimental studies have shown that this missense change affects TTC21B function (PMID: 21258341). In summary, the available evidence is currently insufficient to determine the role of this variant in disease. Therefore, it has been classified as a Variant of Uncertain Significance.

Literature cited by the submitters: PubMed 21258341 (cited by Women's Health and Genetics/Laboratory Corporation of America, LabCorp and Labcorp Genetics (formerly Invitae), Labcorp).